The following is an entry in ClinVar:

NM_020800.3(IFT80):c.938C>T (p.Thr313Met)

Genes: TRIM59-IFT80 (TRIM59-IFT80 readthrough (NMD candidate); minus strand), IFT80 (intraflagellar transport 80; minus strand). Cytogenetic location: 3q25.33.
Variant type: single nucleotide variant.
Coding change: c.938C>T on transcript NM_020800.3 (MANE Select); coding-DNA position 938, C replaced by T.
Protein change: p.Thr313Met; replaces threonine 313 with methionine.
Molecular consequence: missense variant. On other transcripts: non-coding transcript variant (3).
Genome position (GRCh38, 1-based): chr3:160,319,779, G>A on the plus strand (C>T on the coding strand, the complement: IFT80 is on the minus strand). VCF-style: chr3-160319779-G-A. GRCh37 (hg19) VCF-style: chr3-160037567-G-A.
Other names: c.527C>T, p.Thr176Met (NM_001190241.2, NM_001190242.2); short protein forms T313M, T176M.
Identifiers: ClinVar variation 216710 (VCV000216710.10), dbSNP rs753478409, ClinGen allele CA336958.
Genomic context (GRCh38, chr3:160,319,779, plus strand): 5'-GAAAAGAAGCAGGTTTAATCAACCTTGGAACATAATAATACCTGCATGGCTCTTCTTTTC[G>A]TTAATGTTACTTGAAAATTTTTCCACTCCCAATGTTGTTCCACCACATGTGCAAAAACGA-3'
Protein context (NP_065851.1, residues 303-323): WEWKNFQVTL[Thr313Met]KRRAMQVRNV

ClinVar aggregate classification (germline): Uncertain significance. Review status: criteria provided, multiple submitters, no conflicts (2 of 4 stars). 2 submissions from 2 submitters: Uncertain significance (2). Last evaluated 2025-05-13.

Conditions:
Inborn genetic diseases. Identifiers: MedGen C0950123, MeSH D030342.
Jeune thoracic dystrophy. Also called: Short-rib thoracic dysplasia; Jeune syndrome; Infantile thoracic dystrophy; Thoracic pelvic phalangeal dystrophy; Jeune's syndrome; Chondroectodermal dysplasia-like syndrome. Identifiers: Orphanet 474, MedGen C0265275, MONDO:0018770.

Allele frequency attached by ClinVar (database versions not stated): ExAC 0.00001; gnomAD exomes 0.00001; TOPMed 0.00001; gnomAD 0.00002.
gnomAD v4.1: 23 of 1,612,556 alleles (0.0014%); highest among the groups gnomAD compares: East Asian, 0.0045%; no homozygotes.

Submissions (2):

Ambry Genetics
Classification: Uncertain significance for Inborn genetic diseases. Last evaluated: 2025-05-13. Review status: criteria provided, single submitter. Criteria: Ambry Variant Classification Scheme 2023. Collection method: clinical testing. Allele origin: germline.

Labcorp Genetics (formerly Invitae), Labcorp
Classification: Uncertain significance for Jeune thoracic dystrophy. Last evaluated: 2019-01-10. Review status: criteria provided, single submitter. Criteria: Invitae Variant Classification Sherloc (09022015). Collection method: clinical testing. Allele origin: germline.
Comment: In summary, the available evidence is currently insufficient to determine the role of this variant in disease. Therefore, it has been classified as a Variant of Uncertain Significance. This variant has not been reported in the literature in individuals with IFT80-related conditions. ClinVar contains an entry for this variant (Variation ID: 216710). This variant is present in population databases (rs753478409, ExAC 0.01%). This sequence change replaces threonine with methionine at codon 313 of the IFT80 protein (p.Thr313Met). The threonine residue is highly conserved and there is a moderate physicochemical difference between threonine and methionine.